The following is an entry in ClinVar:

ClinVar aggregate classification (germline): Pathogenic (1 of 4 stars; one submission).

Conditions:
Thrombophilia, X-linked, due to factor 9 defect. Identifiers: MedGen C2749016, MONDO:0010432, OMIM 300807.
Hereditary factor IX deficiency disease (HEMB). Also called: F9 DEFICIENCY; FACTOR IX DEFICIENCY; PLASMA THROMBOPLASTIN COMPONENT DEFICIENCY; Hemophilia B; Christmas Disease. Identifiers: Orphanet 98879, MedGen C0008533, MeSH D002836, MONDO:0010604, OMIM 306900.

Submission:

Labcorp Genetics (formerly Invitae), Labcorp
Classification: Pathogenic for Thrombophilia, X-linked, due to factor 9 defect; Hereditary factor IX deficiency disease. Last evaluated: 2023-03-18. Review status: criteria provided, single submitter. Criteria: Invitae Variant Classification Sherloc (09022015). Collection method: clinical testing. Allele origin: germline.
Comment: This variant is not present in population databases (gnomAD no frequency). For these reasons, this variant has been classified as Pathogenic. This premature translational stop signal has been observed in individual(s) with hemophilia B (PMID: 17014892). This sequence change creates a premature translational stop signal (p.Ser220*) in the F9 gene. It is expected to result in an absent or disrupted protein product. Loss-of-function variants in F9 are known to be pathogenic (PMID: 20301668).

Literature cited by the submitters: PubMed 17014892; PubMed 20301668.

NM_000133.4(F9):c.659C>A (p.Ser220Ter)

Gene: F9 (coagulation factor IX; plus strand). Cytogenetic location: Xq27.1.
Variant type: single nucleotide variant.
Coding change: c.659C>A on transcript NM_000133.4 (MANE Select); coding-DNA position 659, C replaced by A.
Protein change: p.Ser220Ter; replaces serine 220 with a stop codon.
Molecular consequence: nonsense.
Genome position (GRCh38, 1-based): chrX:139,551,200, C>A. VCF-style: chrX-139551200-C-A. GRCh37 (hg19) VCF-style: chrX-138633359-C-A.
Other names: c.545C>A, p.Ser182Ter (NM_001313913.2); short protein forms S182*, S220*.
Identifiers: ClinVar variation 2925693 (VCV002925693.3), dbSNP rs2520802842, ClinGen allele CA414441049.